The following is an entry in ClinVar:

ClinVar aggregate classification (germline): Uncertain significance (1 of 4 stars; one submission).

Conditions:
Epidermolysis bullosa simplex with nail dystrophy (EBS5D). Identifiers: MedGen C4225309, MONDO:0014661, OMIM 616487.
Autosomal recessive limb-girdle muscular dystrophy type 2Q (LGMDR17). Also called: MUSCULAR DYSTROPHY, LIMB-GIRDLE, AUTOSOMAL RECESSIVE 17. Identifiers: Orphanet 254361, MedGen C3150989, MONDO:0013390, OMIM 613723.
Epidermolysis bullosa simplex 5B, with muscular dystrophy (EBS5B). Also called: Epidermolysis bullosa simplex with muscular dystrophy; EPIDERMOLYSIS BULLOSA SIMPLEX AND LIMB-GIRDLE MUSCULAR DYSTROPHY. Identifiers: Orphanet 257, MedGen C2931072, MONDO:0009181, OMIM 226670.
Epidermolysis bullosa simplex 5C, with pyloric atresia (EBS5C). Also called: PLEC-Related Epidermolysis Bullosa with Pyloric Atresia; Epidermolysis bullosa simplex with pyloric atresia; PLEC1-Related Epidermolysis Bullosa with Pyloric Atresia. Identifiers: Orphanet 158684, MedGen C2677349, MONDO:0012807, OMIM 612138.
Epidermolysis bullosa simplex, Ogna type (EBS5A). Also called: Pidermolysis bullosa simplex 5A, Ogna type; EPIDERMOLYSIS BULLOSA SIMPLEX 5A, OGNA TYPE. Identifiers: Orphanet 79401, MedGen C0432317, MONDO:0007555, OMIM 131950.

gnomAD v4.1: 4 of 1,611,332 alleles (0.00025%); highest among the groups gnomAD compares: African/African-American, 0.0053%; no homozygotes.

Submission:

Labcorp Genetics (formerly Invitae), Labcorp
Classification: Uncertain significance for Autosomal recessive limb-girdle muscular dystrophy type 2Q; Epidermolysis bullosa simplex, Ogna type; Epidermolysis bullosa simplex with nail dystrophy; Epidermolysis bullosa simplex 5C, with pyloric atresia; Epidermolysis bullosa simplex 5B, with muscular dystrophy. Last evaluated: 2024-12-11. Review status: criteria provided, single submitter. Criteria: Invitae Variant Classification Sherloc (09022015). Collection method: clinical testing. Allele origin: germline.
Comment: This sequence change replaces valine, which is neutral and non-polar, with leucine, which is neutral and non-polar, at codon 1314 of the PLEC protein (p.Val1314Leu). This variant is present in population databases (rs77405565, gnomAD 0.007%). This variant has not been reported in the literature in individuals affected with PLEC-related conditions. Invitae Evidence Modeling of protein sequence and biophysical properties (such as structural, functional, and spatial information, amino acid conservation, physicochemical variation, residue mobility, and thermodynamic stability) has been performed for this missense variant. However, the output from this modeling did not meet the statistical confidence thresholds required to predict the impact of this variant on PLEC protein function. In summary, the available evidence is currently insufficient to determine the role of this variant in disease. Therefore, it has been classified as a Variant of Uncertain Significance.

NM_201384.3(PLEC):c.3859G>C (p.Val1287Leu)

Gene: PLEC (plectin; minus strand). Cytogenetic location: 8q24.3.
Variant type: single nucleotide variant.
Coding change: c.3859G>C on transcript NM_201384.3 (MANE Select); coding-DNA position 3859, G replaced by C.
Protein change: p.Val1287Leu; replaces valine 1287 with leucine.
Molecular consequence: missense variant.
Genome position (GRCh38, 1-based): chr8:143,927,063, C>G on the plus strand (G>C on the coding strand, the complement: PLEC is on the minus strand). VCF-style: chr8-143927063-C-G. GRCh37 (hg19) VCF-style: chr8-145001231-C-G.
Other names: c.3940G>C, p.Val1314Leu (NM_000445.5, NM_001410941.1); c.3817G>C, p.Val1273Leu (NM_201378.4); c.3793G>C, p.Val1265Leu (NM_201379.3); c.4270G>C, p.Val1424Leu (NM_201380.4); c.3763G>C, p.Val1255Leu (NM_201381.3); c.3859G>C, p.Val1287Leu (NM_201382.4); c.3871G>C, p.Val1291Leu (NM_201383.3); short protein forms V1255L, V1265L, V1273L, V1287L, V1291L, V1314L, V1424L.
Identifiers: ClinVar variation 3749235 (VCV003749235.2).
Genomic context (GRCh38, chr8:143,927,063, plus strand): 5'-ACTGGACCTTGGGCTTCTTGGCCGGGGAGGCCACCGGCTCAAGCTGCGCCTTGTACGTCA[C>G]CAGCTGGAGTTCATAGTCCTGTGGCAATGCACTGCGGTCAGCCACCAGCTCTGCCCTCCG-3'
Protein context (NP_958786.1, residues 1277-1297): NAIKDYELQL[Val1287Leu]TYKAQLEPVA